The following is an entry in ClinVar:

NM_001242896.3(DEPDC5):c.3207G>C (p.Gln1069His)

Gene: DEPDC5 (DEP domain containing 5, GATOR1 subcomplex subunit; plus strand). Cytogenetic location: 22q12.3.
Variant type: single nucleotide variant.
Coding change: c.3207G>C on transcript NM_001242896.3 (MANE Select); coding-DNA position 3207, G replaced by C.
Protein change: p.Gln1069His; replaces glutamine 1069 with histidine.
Molecular consequence: missense variant. On other transcripts: non-coding transcript variant (5).
Genome position (GRCh38, 1-based): chr22:31,857,496, G>C. VCF-style: chr22-31857496-G-C. GRCh37 (hg19) VCF-style: chr22-32253482-G-C.
Other names: c.3180G>C, p.Gln1060His (NM_001136029.4, NM_001369903.1, NM_014662.6); c.2973G>C, p.Gln991His (NM_001242897.2, NM_001363854.2, NM_001364319.2); c.3207G>C, p.Gln1069His (NM_001363852.2, NM_001364318.2, NM_001364320.2); c.3123G>C, p.Gln1041His (NM_001369901.1, NM_001369902.1); short protein forms Q1041H, Q1069H, Q991H, Q1060H.
Identifiers: ClinVar variation 4700648 (VCV004700648.1).

ClinVar aggregate classification (germline): Uncertain significance (1 of 4 stars; one submission).

Conditions:
Familial focal epilepsy with variable foci (FPEVF). Identifiers: Orphanet 98820, MedGen C1858477, MONDO:0020310.

gnomAD v4.1: 3 of 1,612,614 alleles (0.00019%); highest among the groups gnomAD compares: South Asian, 0.0022%; no homozygotes.

Submission:

Labcorp Genetics (formerly Invitae), Labcorp
Classification: Uncertain significance for Familial focal epilepsy with variable foci. Last evaluated: 2025-05-04. Review status: criteria provided, single submitter. Criteria: Invitae Variant Classification Sherloc (09022015). Collection method: clinical testing. Allele origin: germline.
Comment: This sequence change replaces glutamine, which is neutral and polar, with histidine, which is basic and polar, at codon 1069 of the DEPDC5 protein (p.Gln1069His). This variant is present in population databases (no rsID available, gnomAD 0.003%). This variant has not been reported in the literature in individuals affected with DEPDC5-related conditions. An algorithm developed to predict the effect of missense changes on protein structure and function outputs the following: PolyPhen-2: "Not Available". The histidine amino acid residue is found in multiple mammalian species, which suggests that this missense change does not adversely affect protein function. In summary, the available evidence is currently insufficient to determine the role of this variant in disease. Therefore, it has been classified as a Variant of Uncertain Significance.